The following is an entry in ClinVar:

NM_000368.5(TSC1):c.1219G>T (p.Val407Leu)

Gene: TSC1 (TSC complex subunit 1; minus strand). Cytogenetic location: 9q34.13.
Variant type: single nucleotide variant.
Coding change: c.1219G>T on transcript NM_000368.5 (MANE Select); coding-DNA position 1219, G replaced by T.
Protein change: p.Val407Leu; replaces valine 407 with leucine.
Molecular consequence: missense variant.
Genome position (GRCh38, 1-based): chr9:132,910,615, C>A on the plus strand (G>T on the coding strand, the complement: TSC1 is on the minus strand). VCF-style: chr9-132910615-C-A. GRCh37 (hg19) VCF-style: chr9-135786002-C-A.
Other names: c.1216G>T, p.Val406Leu (NM_001162426.2); c.1066G>T, p.Val356Leu (NM_001162427.2); c.856G>T, p.Val286Leu (NM_001362177.2); short protein forms V356L, V286L, V407L, V406L.
Identifiers: ClinVar variation 659319 (VCV000659319.8), dbSNP rs769331772, ClinGen allele CA375366891.

ClinVar aggregate classification (germline): Uncertain significance (1 of 4 stars; one submission).

Conditions:
Tuberous sclerosis 1 (TSC1). Identifiers: Orphanet 805, MedGen C1854465, MONDO:0008612, OMIM 191100.

Submission:

Labcorp Genetics (formerly Invitae), Labcorp
Classification: Uncertain significance for Tuberous sclerosis 1. Last evaluated: 2018-08-08. Review status: criteria provided, single submitter. Criteria: Invitae Variant Classification Sherloc (09022015). Collection method: clinical testing. Allele origin: germline.
Comment: This sequence change replaces valine with leucine at codon 407 of the TSC1 protein (p.Val407Leu). The valine residue is moderately conserved and there is a small physicochemical difference between valine and leucine. This variant is not present in population databases (ExAC no frequency). This variant has not been reported in the literature in individuals with TSC1-related disease. Algorithms developed to predict the effect of missense changes on protein structure and function (SIFT, PolyPhen-2, Align-GVGD) all suggest that this variant is likely to be tolerated, but these predictions have not been confirmed by published functional studies and their clinical significance is uncertain. In summary, the available evidence is currently insufficient to determine the role of this variant in disease. Therefore, it has been classified as a Variant of Uncertain Significance.